The following is an entry in ClinVar:

ClinVar aggregate classification (germline): Benign/Likely benign. Review status: criteria provided, multiple submitters, no conflicts (2 of 4 stars). 9 submissions from 9 submitters: Benign (5); Likely benign (2). 2 of the submissions do not count toward it. Last evaluated 2026-01-31.

Conditions:
Donnai-Barrow syndrome. Also called: FACIOOCULOACOUSTICORENAL SYNDROME; DBS/FOAR SYNDROME. Identifiers: Orphanet 2143, MedGen C1857277, MONDO:0009104, OMIM 222448.

Allele frequency attached by ClinVar (database versions not stated): gnomAD 0.00034 and 0.00069; ESP Exome Variant Server 0.00054; TOPMed 0.00054; gnomAD exomes 0.00101 and 0.00208; 1000 Genomes Project 0.00200; 1000 Genomes Project 30x 0.00203; ExAC 0.00214.
gnomAD v4.1: 1,604 of 1,612,892 alleles (0.099%); highest among the groups gnomAD compares: South Asian, 1%; 21 homozygotes.

Submissions (9):

Labcorp Genetics (formerly Invitae), Labcorp
Classification: Benign. Last evaluated: 2026-01-31. Review status: criteria provided, single submitter. Criteria: Invitae Variant Classification Sherloc (09022015). Collection method: clinical testing. Allele origin: germline.

CeGaT Center for Human Genetics Tuebingen
Classification: Benign. Last evaluated: 2025-12-01. Review status: criteria provided, single submitter. Criteria: CeGaT Center For Human Genetics Tuebingen Variant Classification Criteria Version 2. Collection method: clinical testing. Allele origin: germline. Affected: yes. Observed: 5 variant alleles.
Comment: LRP2: BP4, BP7, BS1, BS2

Fulgent Genetics
Classification: Benign for Donnai-Barrow syndrome. Last evaluated: 2021-10-20. Review status: criteria provided, single submitter. Criteria: ACMG Guidelines, 2015. Collection method: clinical testing. Allele origin: unknown.

Genome-Nilou Lab
Classification: Benign for Donnai-Barrow syndrome. Last evaluated: 2021-07-15. Review status: criteria provided, single submitter. Criteria: ACMG Guidelines, 2015. Collection method: clinical testing. Allele origin: germline. Affected: no.

Illumina Laboratory Services, Illumina
Classification: Likely benign for Donnai-Barrow syndrome. Last evaluated: 2018-01-12. Review status: criteria provided, single submitter. Criteria: ICSL Variant Classification Criteria 13 December 2019. Collection method: clinical testing. Allele origin: germline.
Comment: This variant was observed in the ICSL laboratory as part of a predisposition screen in an ostensibly healthy population. It had not been previously curated by ICSL or reported in the Human Gene Mutation Database (HGMD: prior to June 1st, 2018), and was therefore a candidate for classification through an automated scoring system. Utilizing variant allele frequency, disease prevalence and penetrance estimates, and inheritance mode, an automated score was calculated to assess if this variant is too frequent to cause the disease. Based on the score and internal cut-off values, a variant classified as likely benign is not then subjected to further curation. The score for this variant resulted in a classification of likely benign for this disease.

Eurofins Ntd Llc (ga)
Classification: Benign. Last evaluated: 2016-08-19. Review status: criteria provided, single submitter. Criteria: EGL Classification Definitions 2015. Collection method: clinical testing. Allele origin: germline. Observed: 1 variant allele, 1 heterozygote.

Breakthrough Genomics
Classification: Likely benign. Review status: criteria provided, single submitter. Criteria: ACMG Guidelines, 2015. Collection method: not provided. Allele origin: germline. Inheritance: Autosomal recessive inheritance. Affected: yes.

Clinical Genetics DNA and cytogenetics Diagnostics Lab, Erasmus MC, Erasmus Medical Center
Classification: Likely benign. Review status: no assertion criteria provided. Collection method: clinical testing. Allele origin: germline. Affected: yes. Study: VKGL Data-share Consensus. Not counted in ClinVar's aggregate classification.

Laboratory of Diagnostic Genome Analysis, Leiden University Medical Center (LUMC)
Classification: Likely benign. Review status: no assertion criteria provided. Collection method: clinical testing. Allele origin: germline. Affected: yes. Study: VKGL Data-share Consensus. Not counted in ClinVar's aggregate classification.

NM_004525.3(LRP2):c.2511C>T (p.Ala837=)

Gene: LRP2 (LDL receptor related protein 2; minus strand). Cytogenetic location: 2q31.1.
Variant type: single nucleotide variant.
Coding change: c.2511C>T on transcript NM_004525.3 (MANE Select); coding-DNA position 2511, C replaced by T.
Protein change: p.Ala837=; no amino-acid change (alanine 837 retained).
Molecular consequence: synonymous variant.
Genome position (GRCh38, 1-based): chr2:169,259,027, G>A on the plus strand (C>T on the coding strand, the complement: LRP2 is on the minus strand). VCF-style: chr2-169259027-G-A. GRCh37 (hg19) VCF-style: chr2-170115537-G-A.
Identifiers: ClinVar variation 290239 (VCV000290239.48), dbSNP rs375313914, ClinGen allele CA1955287.